The following is an entry in ClinVar:

NM_000665.5(ACHE):c.1723+152C>A

Gene: ACHE (acetylcholinesterase (Yt blood group); minus strand). Cytogenetic location: 7q22.1.
Variant type: single nucleotide variant.
Coding change: c.1723+152C>A on transcript NM_000665.5 (MANE Select); 152 bases into the intron after coding-DNA position 1723, C replaced by A.
Molecular consequence: intron variant. On other transcripts: missense variant (1).
Genome position (GRCh38, 1-based): chr7:100,891,017, G>T on the plus strand (C>A on the coding strand, the complement: ACHE is on the minus strand). VCF-style: chr7-100891017-G-T. GRCh37 (hg19) VCF-style: chr7-100488638-G-T.
Other names: NM_015831.2:c.1795C>A; c.1795C>A, p.Pro599Thr (NM_001302621.3); c.1921+152C>A (NM_001367919.2); c.1924+152C>A (NM_001367918.1); c.1723+152C>A (NM_001302622.2, NM_001367915.1, NM_001367917.1); c.1459+152C>A (NM_001282449.2); short protein forms P599T.
Identifiers: ClinVar variation 3042137 (VCV003042137.2), dbSNP rs17886728, ClinGen allele CA4396252.

ClinVar aggregate classification (germline): Likely benign (0 of 4 stars; one submission).

Conditions:
ACHE-related disorder. Also called: ACHE-related condition.

Allele frequency attached by ClinVar (database versions not stated): ESP Exome Variant Server 0.00195; 1000 Genomes Project 30x 0.00281; 1000 Genomes Project 0.00300; gnomAD 0.00409; TOPMed 0.00413; ExAC 0.00745.
gnomAD v4.1: 8,210 of 1,456,298 alleles (0.56%); highest among the groups gnomAD compares: Middle Eastern, 0.87%; 30 homozygotes.

Submission:

PreventionGenetics, part of Exact Sciences
Classification: Likely benign for ACHE-related condition. Last evaluated: 2021-11-16. Review status: no assertion criteria provided. Collection method: clinical testing. Allele origin: germline.
Comment: This variant is classified as likely benign based on ACMG/AMP sequence variant interpretation guidelines (Richards et al. 2015 PMID: 25741868, with internal and published modifications).